The following is an entry in ClinVar:

ClinVar aggregate classification (germline): Uncertain significance (1 of 4 stars; one submission).

Conditions:
Familial hypobetalipoproteinemia 1. Also called: APOB-Related Familial Hypobetalipoproteinemia; Hypobetalipoproteinemia, normotriglyceridemic; Acanthocytosis with hypobetalipoproteinemia. Identifiers: MedGen C4551990, MONDO:0014252, OMIM 615558.
Hypercholesterolemia, autosomal dominant, type B (FHCL2). Also called: Familial Hypercholesterolemia Type B; APOLIPOPROTEIN B-100, FAMILIAL DEFECTIVE; APOLIPOPROTEIN B-100, FAMILIAL LIGAND-DEFECTIVE; HYPERCHOLESTEROLEMIA, FAMILIAL, DUE TO LIGAND-DEFECTIVE APOLIPOPROTEIN B; Hyperlipoproteinemia Type IIb; APOB-Related Familial Hypercholesterolemia, Autosomal Dominant. Identifiers: MedGen C1704417, MONDO:0007751, OMIM 144010.

Allele frequency attached by ClinVar (database versions not stated): gnomAD exomes 0.00001.
gnomAD v4.1: 5 of 1,614,052 alleles (0.00031%); highest among the groups gnomAD compares: Non-Finnish European, 0.00042%; no homozygotes.

Submission:

Labcorp Genetics (formerly Invitae), Labcorp
Classification: Uncertain significance for Familial hypobetalipoproteinemia 1; Hypercholesterolemia, autosomal dominant, type B. Last evaluated: 2022-05-28. Review status: criteria provided, single submitter. Criteria: Invitae Variant Classification Sherloc (09022015). Collection method: clinical testing. Allele origin: germline.
Comment: In summary, the available evidence is currently insufficient to determine the role of this variant in disease. Therefore, it has been classified as a Variant of Uncertain Significance. This sequence change affects codon 635 of the APOB mRNA. It is a 'silent' change, meaning that it does not change the encoded amino acid sequence of the APOB protein. This variant is not present in population databases (gnomAD no frequency). This variant has not been reported in the literature in individuals affected with APOB-related conditions. Algorithms developed to predict the effect of sequence changes on RNA splicing suggest that this variant may create or strengthen a splice site.

NM_000384.3(APOB):c.1905G>T (p.Arg635=)

Gene: APOB (apolipoprotein B; minus strand). Cytogenetic location: 2p24.1.
Variant type: single nucleotide variant.
Coding change: c.1905G>T on transcript NM_000384.3 (MANE Select); coding-DNA position 1905, G replaced by T.
Protein change: p.Arg635=; no amino-acid change (arginine 635 retained).
Molecular consequence: synonymous variant.
Genome position (GRCh38, 1-based): chr2:21,027,990, C>A on the plus strand (G>T on the coding strand, the complement: APOB is on the minus strand). VCF-style: chr2-21027990-C-A. GRCh37 (hg19) VCF-style: chr2-21250862-C-A.
Identifiers: ClinVar variation 2201381 (VCV002201381.2), dbSNP rs1572795906, ClinGen allele CA425347553.
Genomic context (GRCh38, chr2:21,027,990, plus strand): 5'-TATTTTGGCTGAGGCTGGGTCAAGTGATGGAAGAGAAACAGATTTGTAGAGTTGATAGTT[C>A]CGAGAGAATTTTCTGAAGTCCATGACAGTTGGAAGTTGAGATTCTTTCAGAGCTTCTTTC-3'
Protein context (NP_000375.3, residues 625-645): PTVMDFRKFS[Arg635=]NYQLYKSVSL